The following is an entry in ClinVar:

ClinVar aggregate classification (germline): Likely pathogenic (1 of 4 stars; one submission).

Submission:

Labcorp Genetics (formerly Invitae), Labcorp
Classification: Likely pathogenic. Last evaluated: 2023-04-14. Review status: criteria provided, single submitter. Criteria: Invitae Variant Classification Sherloc (09022015). Collection method: clinical testing. Allele origin: germline.
Comment: This variant has not been reported in the literature in individuals affected with TTC37-related conditions. In summary, the currently available evidence indicates that the variant is pathogenic, but additional data are needed to prove that conclusively. Therefore, this variant has been classified as Likely Pathogenic. Algorithms developed to predict the effect of sequence changes on RNA splicing suggest that this variant may disrupt the consensus splice site. This variant is not present in population databases (gnomAD no frequency). This sequence change affects a donor splice site in intron 24 of the TTC37 gene. It is expected to disrupt RNA splicing. Variants that disrupt the donor or acceptor splice site typically lead to a loss of protein function (PMID: 16199547), and loss-of-function variants in TTC37 are known to be pathogenic (PMID: 20176027, 21120949).

Literature cited by the submitters: PubMed 16199547; PubMed 20176027; PubMed 21120949.

NM_014639.4(SKIC3):c.2577+1G>A

Gene: SKIC3 (SKI3 subunit of superkiller complex; minus strand). Cytogenetic location: 5q15.
Variant type: single nucleotide variant.
Coding change: c.2577+1G>A on transcript NM_014639.4 (MANE Select); the canonical splice donor site of the intron after coding-DNA position 2577, G replaced by A.
Molecular consequence: splice donor variant.
Genome position (GRCh38, 1-based): chr5:95,516,524, C>T on the plus strand (G>A on the coding strand, the complement: SKIC3 is on the minus strand). VCF-style: chr5-95516524-C-T. GRCh37 (hg19) VCF-style: chr5-94852228-C-T.
Identifiers: ClinVar variation 2856059 (VCV002856059.3), dbSNP rs2530753217, ClinGen allele CA360457646.
Genomic context (GRCh38, chr5:95,516,524, plus strand): 5'-CTCAGAAAATTAGTAATACTAAATTTTGAAGTTCTTTTTCATAGACACATAGAATACTCA[C>T]AATTTGTTCTGACTGGATTGATTTGATGAAACAGTGCTGAGCAAGGGCATAATTTCCAAT-3'